The following is an entry in ClinVar:

ClinVar aggregate classification (germline): Uncertain significance (1 of 4 stars; one submission).

gnomAD v4.1: 4 of 1,614,066 alleles (0.00025%); highest among the groups gnomAD compares: Non-Finnish European, 0.00025%; no homozygotes.

Submission:

Labcorp Genetics (formerly Invitae), Labcorp
Classification: Uncertain significance. Last evaluated: 2024-10-15. Review status: criteria provided, single submitter. Criteria: Invitae Variant Classification Sherloc (09022015). Collection method: clinical testing. Allele origin: germline.
Comment: This sequence change replaces glutamine, which is neutral and polar, with glutamic acid, which is acidic and polar, at codon 209 of the CDSN protein (p.Gln209Glu). This variant is present in population databases (rs779003367, gnomAD 0.0009%). This variant has not been reported in the literature in individuals affected with CDSN-related conditions. Invitae Evidence Modeling of protein sequence and biophysical properties (such as structural, functional, and spatial information, amino acid conservation, physicochemical variation, residue mobility, and thermodynamic stability) indicates that this missense variant is not expected to disrupt CDSN protein function with a negative predictive value of 80%. In summary, the available evidence is currently insufficient to determine the role of this variant in disease. Therefore, it has been classified as a Variant of Uncertain Significance.

NM_001264.5(CDSN):c.625C>G (p.Gln209Glu)

Genes: CDSN (corneodesmosin; minus strand), PSORS1C1 (psoriasis susceptibility 1 candidate 1; plus strand). Cytogenetic location: 6p21.33.
Variant type: single nucleotide variant.
Coding change: c.625C>G on transcript NM_001264.5 (MANE Select); coding-DNA position 625, C replaced by G.
Protein change: p.Gln209Glu; replaces glutamine 209 with glutamic acid.
Molecular consequence: missense variant. On other transcripts: intron variant (1).
Genome position (GRCh38, 1-based): chr6:31,116,990, G>C on the plus strand (C>G on the coding strand, the complement: CDSN is on the minus strand). VCF-style: chr6-31116990-G-C. GRCh37 (hg19) VCF-style: chr6-31084767-G-C.
Other names: c.-229+2099G>C (NM_014068.3); short protein forms Q209E.
Identifiers: ClinVar variation 3604772 (VCV003604772.2).